The following is an entry in ClinVar:

ClinVar aggregate classification (germline): Benign/Likely benign. Review status: criteria provided, multiple submitters, no conflicts (2 of 4 stars). 4 submissions from 4 submitters: Benign (1); Likely benign (3). Last evaluated 2024-03-18.

Conditions:
Hereditary cancer-predisposing syndrome. Also called: Neoplastic Syndromes, Hereditary; Tumor predisposition; Hereditary neoplastic syndrome; Hereditary Cancer Syndrome. Identifiers: Orphanet 140162, MedGen C0027672, MeSH D009386, MONDO:0015356.
Familial adenomatous polyposis 1 (FAP1). Also called: POLYPOSIS, ADENOMATOUS INTESTINAL; FAMILIAL ADENOMATOUS POLYPOSIS 1, ATTENUATED. Identifiers: MedGen C2713442, MONDO:0021056, OMIM 175100. Disease mechanism: loss of function.

Allele frequency attached by ClinVar (database versions not stated): gnomAD exomes below 0.00001.
gnomAD v4.1: 1 of 1,614,110 alleles (0.000062%); highest among the groups gnomAD compares: Non-Finnish European, 0.000085%; no homozygotes.

Submissions (4):

Myriad Genetics, Inc.
Classification: Benign for Familial adenomatous polyposis 1. Last evaluated: 2024-03-18. Review status: criteria provided, single submitter. Criteria: Myriad Autosomal Dominant, Autosomal Recessive and X-Linked Classification Criteria (2023). Collection method: clinical testing. Allele origin: unknown.
Comment: This variant is considered benign. This variant is a silent/synonymous amino acid change and it is not expected to impact splicing.

Labcorp Genetics (formerly Invitae), Labcorp
Classification: Likely benign for Familial adenomatous polyposis 1. Last evaluated: 2023-09-10. Review status: criteria provided, single submitter. Criteria: Invitae Variant Classification Sherloc (09022015). Collection method: clinical testing. Allele origin: germline.

Ambry Genetics
Classification: Likely benign for Hereditary cancer-predisposing syndrome. Last evaluated: 2018-04-13. Review status: criteria provided, single submitter. Criteria: Ambry Variant Classification Scheme 2023. Collection method: clinical testing. Allele origin: germline.

Color Diagnostics, LLC DBA Color Health
Classification: Likely benign for Hereditary cancer-predisposing syndrome. Last evaluated: 2018-03-16. Review status: criteria provided, single submitter. Criteria: ACMG Guidelines, 2015. Collection method: clinical testing. Allele origin: germline.

NM_000038.6(APC):c.3243C>T (p.Ser1081=)

Gene: APC (APC regulator of Wnt signaling pathway; plus strand). Cytogenetic location: 5q22.2.
Variant type: single nucleotide variant.
Coding change: c.3243C>T on transcript NM_000038.6 (MANE Select); coding-DNA position 3243, C replaced by T.
Protein change: p.Ser1081=; no amino-acid change (serine 1081 retained).
Molecular consequence: synonymous variant.
Genome position (GRCh38, 1-based): chr5:112,838,837, C>T. VCF-style: chr5-112838837-C-T. GRCh37 (hg19) VCF-style: chr5-112174534-C-T.
Other names: c.3243C>T, p.Ser1081= (NM_001127510.3, NM_001354895.2); c.3189C>T, p.Ser1063= (NM_001127511.3); c.3297C>T, p.Ser1099= (NM_001354896.2); c.3273C>T, p.Ser1091= (NM_001354897.2); c.3168C>T, p.Ser1056= (NM_001354898.2); c.3159C>T, p.Ser1053= (NM_001354899.2); c.3120C>T, p.Ser1040= (NM_001354900.2); c.3066C>T, p.Ser1022= (NM_001354901.2); and 5 more.
Identifiers: ClinVar variation 627928 (VCV000627928.16), dbSNP rs1561583244, ClinGen allele CA445963529.